The following is an entry in ClinVar:

ClinVar aggregate classification (germline): Uncertain significance. Review status: criteria provided, multiple submitters, no conflicts (2 of 4 stars). 2 submissions from 2 submitters: Uncertain significance (2). Last evaluated 2025-10-11.

Conditions:
Intellectual developmental disorder, autosomal dominant 50, with behavioral abnormalities. Also called: MENTAL RETARDATION, AUTOSOMAL DOMINANT 50; Intellectual disability, autosomal dominant 50. Identifiers: MedGen C4540470, MONDO:0030916, OMIM 617787.

Allele frequency attached by ClinVar (database versions not stated): gnomAD 0.00001; TOPMed 0.00001; gnomAD exomes 0.00001.
gnomAD v4.1: 9 of 1,611,582 alleles (0.00056%); highest among the groups gnomAD compares: Non-Finnish European, 0.00076%; no homozygotes.

Submissions (2):

Labcorp Genetics (formerly Invitae), Labcorp
Classification: Uncertain significance. Last evaluated: 2025-10-11. Review status: criteria provided, single submitter. Criteria: Invitae Variant Classification Sherloc (09022015). Collection method: clinical testing. Allele origin: germline.
Comment: This sequence change replaces asparagine, which is neutral and polar, with lysine, which is basic and polar, at codon 257 of the NAA15 protein (p.Asn257Lys). This variant is not present in population databases (gnomAD no frequency). This variant has not been reported in the literature in individuals affected with NAA15-related conditions. ClinVar contains an entry for this variant (Variation ID: 930517). An algorithm developed to predict the effect of missense changes on protein structure and function (PolyPhen-2) suggests that this variant is likely to be disruptive. In summary, the available evidence is currently insufficient to determine the role of this variant in disease. Therefore, it has been classified as a Variant of Uncertain Significance.

Centre for Mendelian Genomics, University Medical Centre Ljubljana
Classification: Uncertain significance for Intellectual developmental disorder, autosomal dominant 50, with behavioral abnormalities. Last evaluated: 2019-07-26. Review status: criteria provided, single submitter. Criteria: ACMG Guidelines, 2015. Collection method: clinical testing. Allele origin: unknown. Affected: yes.
Comment: This variant was classified as: Uncertain significance. The available evidence favors the pathogenic nature of this variant, however the currently available data is insufficient to conclusively support its pathogenic nature. Thus this variant is classified as Uncertain significance - favor pathogenic. The following ACMG criteria were applied in classifying this variant: PM2,PP3,BP1.

NM_057175.5(NAA15):c.771C>G (p.Asn257Lys)

Gene: NAA15 (N-alpha-acetyltransferase 15, NatA auxiliary subunit; plus strand). Cytogenetic location: 4q31.1.
Variant type: single nucleotide variant.
Coding change: c.771C>G on transcript NM_057175.5 (MANE Select); coding-DNA position 771, C replaced by G.
Protein change: p.Asn257Lys; replaces asparagine 257 with lysine.
Molecular consequence: missense variant.
Genome position (GRCh38, 1-based): chr4:139,349,541, C>G. VCF-style: chr4-139349541-C-G. GRCh37 (hg19) VCF-style: chr4-140270695-C-G.
Other names: short protein forms N257K.
Identifiers: ClinVar variation 930517 (VCV000930517.4), dbSNP rs1189760005, ClinGen allele CA358261073.